The following is an entry in ClinVar:

NM_032043.3(BRIP1):c.1663A>T (p.Thr555Ser)

Gene: BRIP1 (BRCA1 interacting DNA helicase 1; minus strand). Cytogenetic location: 17q23.2.
Variant type: single nucleotide variant.
Coding change: c.1663A>T on transcript NM_032043.3 (MANE Select); coding-DNA position 1663, A replaced by T.
Protein change: p.Thr555Ser; replaces threonine 555 with serine.
Molecular consequence: missense variant.
Genome position (GRCh38, 1-based): chr17:61,780,971, T>A on the plus strand (A>T on the coding strand, the complement: BRIP1 is on the minus strand). VCF-style: chr17-61780971-T-A. GRCh37 (hg19) VCF-style: chr17-59858332-T-A.
Other names: short protein forms T555S.
Identifiers: ClinVar variation 1777526 (VCV001777526.3), dbSNP rs2077611229, ClinGen allele CA400480517.

ClinVar aggregate classification (germline): Uncertain significance (1 of 4 stars; one submission).

Conditions:
Hereditary cancer-predisposing syndrome. Also called: Neoplastic Syndromes, Hereditary; Tumor predisposition; Hereditary Cancer Syndrome; Hereditary neoplastic syndrome. Identifiers: Orphanet 140162, MedGen C0027672, MeSH D009386, MONDO:0015356.

Submission:

Ambry Genetics
Classification: Uncertain significance for Hereditary cancer-predisposing syndrome. Last evaluated: 2024-03-22. Review status: criteria provided, single submitter. Criteria: Ambry Variant Classification Scheme 2023. Collection method: clinical testing. Allele origin: germline.
Comment: The p.T555S variant (also known as c.1663A>T), located in coding exon 11 of the BRIP1 gene, results from an A to T substitution at nucleotide position 1663. The threonine at codon 555 is replaced by serine, an amino acid with similar properties. This amino acid position is conserved. In addition, this alteration is predicted to be tolerated by in silico analysis. Since supporting evidence is limited at this time, the clinical significance of this alteration remains unclear.